The following is an entry in ClinVar:

NM_014000.3(VCL):c.1423A>T (p.Thr475Ser)

Gene: VCL (vinculin; plus strand). Cytogenetic location: 10q22.2.
Variant type: single nucleotide variant.
Coding change: c.1423A>T on transcript NM_014000.3 (MANE Select); coding-DNA position 1423, A replaced by T.
Protein change: p.Thr475Ser; replaces threonine 475 with serine.
Molecular consequence: missense variant.
Genome position (GRCh38, 1-based): chr10:74,094,341, A>T. VCF-style: chr10-74094341-A-T. GRCh37 (hg19) VCF-style: chr10-75854099-A-T.
Other names: c.1423A>T, p.Thr475Ser (NM_003373.4); short protein forms T475S.
Identifiers: ClinVar variation 855837 (VCV000855837.9), dbSNP rs1839932733, ClinGen allele CA377273782.

ClinVar aggregate classification (germline): Uncertain significance. Review status: criteria provided, multiple submitters, no conflicts (2 of 4 stars). 2 submissions from 2 submitters: Uncertain significance (2). Last evaluated 2025-01-16.

Conditions:
Dilated cardiomyopathy 1W (CMD1W). Identifiers: Orphanet 154, MedGen C1969639, MONDO:0012667, OMIM 611407.
Cardiovascular phenotype. Identifiers: MedGen CN230736.

Allele frequency attached by ClinVar (database versions not stated): gnomAD exomes below 0.00001.

Submissions (2):

Labcorp Genetics (formerly Invitae), Labcorp
Classification: Uncertain significance for Dilated cardiomyopathy 1W. Last evaluated: 2025-01-16. Review status: criteria provided, single submitter. Criteria: Invitae Variant Classification Sherloc (09022015). Collection method: clinical testing. Allele origin: germline.
Comment: This sequence change replaces threonine, which is neutral and polar, with serine, which is neutral and polar, at codon 475 of the VCL protein (p.Thr475Ser). This variant is not present in population databases (gnomAD no frequency). This variant has not been reported in the literature in individuals affected with VCL-related conditions. ClinVar contains an entry for this variant (Variation ID: 855837). An algorithm developed to predict the effect of missense changes on protein structure and function outputs the following: PolyPhen-2: "Benign". The serine amino acid residue is found in multiple mammalian species, which suggests that this missense change does not adversely affect protein function. In summary, the available evidence is currently insufficient to determine the role of this variant in disease. Therefore, it has been classified as a Variant of Uncertain Significance.

Ambry Genetics
Classification: Uncertain significance for Cardiovascular phenotype. Last evaluated: 2024-11-05. Review status: criteria provided, single submitter. Criteria: Ambry Variant Classification Scheme 2023. Collection method: clinical testing. Allele origin: germline.
Comment: The p.T475S variant (also known as c.1423A>T), located in coding exon 11 of the VCL gene, results from an A to T substitution at nucleotide position 1423. The threonine at codon 475 is replaced by serine, an amino acid with similar properties. This amino acid position is conserved. In addition, this alteration is predicted to be tolerated by in silico analysis. Based on the available evidence, the clinical significance of this variant remains unclear.